The following is an entry in ClinVar:

ClinVar aggregate classification (germline): Pathogenic (1 of 4 stars; one submission).

Conditions:
Hereditary nonpolyposis colorectal neoplasms. Identifiers: MedGen C0009405, MeSH D003123.

Submission:

Labcorp Genetics (formerly Invitae), Labcorp
Classification: Pathogenic for Hereditary nonpolyposis colorectal neoplasms. Last evaluated: 2021-06-26. Review status: criteria provided, single submitter. Criteria: Invitae Variant Classification Sherloc (09022015). Collection method: clinical testing. Allele origin: germline.
Comment: For these reasons, this variant has been classified as Pathogenic. This variant disrupts the C-terminus of the MSH6 protein. Other variant(s) that disrupt this region (p.Leu1330Valfs*12) have been determined to be pathogenic (PMID: 19851887, 24440087, 14520694). This suggests that variants that disrupt this region of the protein are likely to be causative of disease. This variant has not been reported in the literature in individuals with MSH6-related conditions. This variant is not present in population databases (ExAC no frequency). This sequence change creates a premature translational stop signal (p.Thr1284Serfs*43) in the MSH6 gene. While this is not anticipated to result in nonsense mediated decay, it is expected to disrupt the last 77 amino acid(s) of the MSH6 protein.

Literature cited by the submitters: PubMed 19851887; PubMed 24440087; PubMed 14520694.

NM_000179.3(MSH6):c.3851del (p.Thr1284fs)

Gene: MSH6 (mutS homolog 6; plus strand). Cytogenetic location: 2p16.3.
Variant type: Deletion.
Coding change: c.3851del on transcript NM_000179.3 (MANE Select); coding-DNA position 3851, one base deleted (C; older notation c.3851delC).
Protein change: p.Thr1284fs; shifts the reading frame from threonine 1284.
Molecular consequence: frameshift variant.
Genome position (GRCh38, 1-based): chr2:47,806,501, C deleted. VCF-style (leftmost placement, unchanged base first): chr2-47806500-AC-A. GRCh37 (hg19) VCF-style: chr2-48033639-AC-A.
Other names: c.3461del, p.Thr1154fs (NM_001281492.2); c.2945del, p.Thr982fs (NM_001281493.2, NM_001281494.2); short protein forms T1154fs, T982fs, T1284fs.
Identifiers: ClinVar variation 1452836 (VCV001452836.8), dbSNP rs2104555433, ClinGen allele CA2573134787.